The following is an entry in ClinVar:

ClinVar aggregate classification (germline): Uncertain significance (1 of 4 stars; one submission).

Conditions:
Charcot-Marie-Tooth disease dominant intermediate B (CMTDIB). Also called: Charcot-Marie-Tooth disease dominant intermediate 1; CMT DI1; Charcot-Marie-Tooth disease dominant intermediate I; CHARCOT-MARIE-TOOTH NEUROPATHY, DOMINANT INTERMEDIATE B. Identifiers: Orphanet 100044, Orphanet 228179, MedGen C1847902, MONDO:0011674, OMIM 606482.

Allele frequency attached by ClinVar (database versions not stated): gnomAD exomes below 0.00001.
gnomAD v4.1: 1 of 1,613,926 alleles (0.000062%); highest among the groups gnomAD compares: Non-Finnish European, 0.000085%; no homozygotes.

Submission:

Labcorp Genetics (formerly Invitae), Labcorp
Classification: Uncertain significance for Charcot-Marie-Tooth disease dominant intermediate B. Last evaluated: 2023-08-09. Review status: criteria provided, single submitter. Criteria: Invitae Variant Classification Sherloc (09022015). Collection method: clinical testing. Allele origin: germline.
Comment: In summary, the available evidence is currently insufficient to determine the role of this variant in disease. Therefore, it has been classified as a Variant of Uncertain Significance. Advanced modeling of protein sequence and biophysical properties (such as structural, functional, and spatial information, amino acid conservation, physicochemical variation, residue mobility, and thermodynamic stability) has been performed at Invitae for this missense variant, however the output from this modeling did not meet the statistical confidence thresholds required to predict the impact of this variant on DNM2 protein function. This variant has not been reported in the literature in individuals affected with DNM2-related conditions. This variant is not present in population databases (gnomAD no frequency). This sequence change replaces leucine, which is neutral and non-polar, with glutamine, which is neutral and polar, at codon 723 of the DNM2 protein (p.Leu723Gln).

NM_001005361.3(DNM2):c.2168T>A (p.Leu723Gln)

Gene: DNM2 (dynamin 2; plus strand). Cytogenetic location: 19p13.2.
Variant type: single nucleotide variant.
Coding change: c.2168T>A on transcript NM_001005361.3 (MANE Select); coding-DNA position 2168, T replaced by A.
Protein change: p.Leu723Gln; replaces leucine 723 with glutamine.
Molecular consequence: missense variant.
Genome position (GRCh38, 1-based): chr19:10,829,145, T>A. VCF-style: chr19-10829145-T-A. GRCh37 (hg19) VCF-style: chr19-10939821-T-A.
Other names: c.2168T>A, p.Leu723Gln (NM_001005360.3, NM_001190716.2); c.2156T>A, p.Leu719Gln (NM_001005362.3, NM_004945.4); short protein forms L723Q, L719Q.
Identifiers: ClinVar variation 2724306 (VCV002724306.3), dbSNP rs2513371885, ClinGen allele CA404042901.